The following is an entry in ClinVar:

Conditions:
Breast-ovarian cancer, familial, susceptibility to, 1 (BROVCA1). Also called: BRCA1 Hereditary Breast and Ovarian Cancer; OVARIAN CANCER, SUSCEPTIBILITY TO. Identifiers: Orphanet 145, MedGen C2676676, MONDO:0011450, OMIM 604370. Disease mechanism: loss of function.

Submission:

Brotman Baty Institute, University of Washington
No classification provided (evidence only). Condition: Breast-ovarian cancer, familial 1. Review status: no classification provided. Collection method: in vitro. Allele origin: not applicable. Functional consequence: functionally_normal.
ClinVar note: "not provided" was previously submitted as the classification for the variant. However, the classification appeared to be based only on an observation of functional data so it was converted to no classification on 2025-07-30.

NM_007294.4(BRCA1):c.209A>T (p.Lys70Ile)

Gene: BRCA1 (BRCA1 DNA repair associated; minus strand). Cytogenetic location: 17q21.31.
Variant type: single nucleotide variant.
Coding change: c.209A>T on transcript NM_007294.4 (MANE Select); coding-DNA position 209, A replaced by T.
Protein change: p.Lys70Ile; replaces lysine 70 with isoleucine.
Molecular consequence: missense variant.
Genome position (GRCh38, 1-based): chr17:43,106,459, T>A on the plus strand (A>T on the coding strand, the complement: BRCA1 is on the minus strand). VCF-style: chr17-43106459-T-A. GRCh37 (hg19) VCF-style: chr17-41258476-T-A.
Other names: c.209A>T, p.Lys70Ile (NM_001407581.1, NM_001407582.1, NM_001407583.1 and 168 more transcripts); c.68A>T, p.Lys23Ile (NM_001407692.1, NM_001407694.1, NM_001407695.1 and 99 more transcripts); short protein forms K23I, K70I.
Identifiers: ClinVar variation 867335 (VCV000867335.3), dbSNP rs2054770216, ClinGen allele CA10601749.
Genomic context (GRCh38, chr17:43,106,459, plus strand): 5'-TTCTACTTTTTCCTACTGTGGTTGCTTCCAACCTAGCATCATTACCAAATTATATACCTT[T>A]TGGTTATATCATTCTTACATAAAGGACACTGTGAAGGCCCTTTCTTCTGGTTGAGAAGTT-3'
Protein context (NP_009225.1, residues 60-80): QCPLCKNDIT[Lys70Ile]RSLQESTRFS